The following is an entry in ClinVar:

ClinVar aggregate classification (germline): Uncertain significance (1 of 4 stars; one submission).

Submission:

Ambry Genetics
Classification: Uncertain significance. Last evaluated: 2026-02-16. Review status: criteria provided, single submitter. Criteria: Ambry Variant Classification Scheme 2023. Collection method: clinical testing. Allele origin: germline.
Comment: The p.N1688H variant (also known as c.5062A>C), located in coding exon 44 of the KIF1B gene, results from an A to C substitution at nucleotide position 5062. The asparagine at codon 1688 is replaced by histidine, an amino acid with similar properties. This amino acid position is conserved. In addition, the in silico prediction for this alteration is inconclusive. Based on the available evidence, the clinical significance of this variant remains unclear.

NM_001365951.3(KIF1B):c.5200A>C (p.Asn1734His)

Gene: KIF1B (kinesin family member 1B; plus strand). Cytogenetic location: 1p36.22.
Variant type: single nucleotide variant.
Coding change: c.5200A>C on transcript NM_001365951.3 (MANE Select); coding-DNA position 5200, A replaced by C.
Protein change: p.Asn1734His; replaces asparagine 1734 with histidine.
Molecular consequence: missense variant.
Genome position (GRCh38, 1-based): chr1:10,374,957, A>C. VCF-style: chr1-10374957-A-C. GRCh37 (hg19) VCF-style: chr1-10435015-A-C.
Other names: c.5200A>C, p.Asn1734His (NM_001365952.1); c.5062A>C, p.Asn1688His (NM_015074.3); short protein forms N1688H, N1734H.
Identifiers: ClinVar variation 4844684 (VCV004844684.1).